The following is an entry in ClinVar:

ClinVar aggregate classification (germline): Uncertain significance. Review status: criteria provided, multiple submitters, no conflicts (2 of 4 stars). 2 submissions from 2 submitters: Uncertain significance (2). Last evaluated 2025-07-31.

Conditions:
Distal myopathy with posterior leg and anterior hand involvement. Also called: WILLIAMS DISTAL MYOPATHY. Identifiers: Orphanet 63273, MedGen C3279722, MONDO:0013550, OMIM 614065.
Hypertrophic cardiomyopathy 26. Also called: Cardiomyopathy, familial hypertrophic, 26. Identifiers: Orphanet 75249, MedGen C4310749, MONDO:0014883, OMIM 617047.
Myofibrillar myopathy 5. Also called: Filaminopathy (type); FILAMINOPATHY, AUTOSOMAL DOMINANT. Identifiers: Orphanet 171445, MedGen C1836050, MONDO:0012289, OMIM 609524.

Submissions (2):

Victorian Clinical Genetics Services, Murdoch Childrens Research Institute
Classification: Uncertain significance for Hypertrophic cardiomyopathy 26. Last evaluated: 2025-07-31. Review status: criteria provided, single submitter. Criteria: ACMG Guidelines, 2015. Collection method: clinical testing. Allele origin: germline. Affected: yes.
Comment: This variant is classified as VUS-3A. Evidence in support of pathogenic classification: Variant is absent from gnomAD (v2, v3 and v4); Missense variant predicted to be damaging by in silico tool(s) or highly conserved with a major amino acid change. Additional information: Variant is predicted to result in a missense amino acid change from Ser to Arg; This variant is heterozygous; This gene is associated with autosomal dominant disease. Variants located throughout the gene that are predicted to result in nonsense-mediated decay (NMD) are enriched in dilated cardiomyopathy, whereas missense variants in the ROD2 domain are enriched in familial hypertrophic cardiomyopathy 26 and familial restrictive cardiomyopathy 5 (MIM#617047). Additionally, myofibrillar myopathy 5 (MIM#609524) is known to result from either missense variants in the ROD2 domain or truncating variants in the Ig-like domain 24, while missense variants in the actin-binding domain and NMD-predicted variants located in the Ig-like domain 15 and have been reported for distal myopathy 4 (MIM#614065) (PMID: 32112656); Alternative amino acid change(s) at the same position are present in gnomAD (Highest allele count: v4: 1 heterozygote(s), 0 homozygote(s)); Previous evidence of pathogenicity for this variant is inconclusive. This variant has been classified as a VUS by a clinical laboratory in ClinVar; No published evidence of segregation with disease has been identified for this variant; No published functional evidence has been identified for this variant; Another missense variant(s) comparable to the one identified in this case has inconclusive previous evidence for pathogenicity. p.(Ser1848Gly) has been classified as a VUS by a clinical laboratory in ClinVar; Variant is located in the annotated ROD2 domain (PMID: 32112656); Loss of function and gain of function are known mechanisms of disease in this gene. Loss of function is the established mechanism of disease for variants in dilated cardiomyopathy (PMID: 32112656), familial hypertrophic cardiomyopathy 26 (MIM#617047), familial restrictive cardiomyopathy 5 (MIM#617047), familial arrhythmogenic right ventricular dysplasia (MIM#617047), and myofibrillar myopathy 5 (MIM#609524). In distal myopathy 4 (MIM#614065), NMD-predicted variants cause a loss of function, however missense variants have been shown to result in a toxic gain of function (PMID: 32112656); Inheritance information for this variant is not currently available in this individual.

Labcorp Genetics (formerly Invitae), Labcorp
Classification: Uncertain significance for Distal myopathy with posterior leg and anterior hand involvement; Myofibrillar myopathy 5; Hypertrophic cardiomyopathy 26. Last evaluated: 2024-04-30. Review status: criteria provided, single submitter. Criteria: Invitae Variant Classification Sherloc (09022015). Collection method: clinical testing. Allele origin: germline.
Comment: This sequence change replaces serine, which is neutral and polar, with arginine, which is basic and polar, at codon 1848 of the FLNC protein (p.Ser1848Arg). This variant is not present in population databases (gnomAD no frequency). This variant has not been reported in the literature in individuals affected with FLNC-related conditions. Advanced modeling of protein sequence and biophysical properties (such as structural, functional, and spatial information, amino acid conservation, physicochemical variation, residue mobility, and thermodynamic stability) has been performed at Invitae for this missense variant, however the output from this modeling did not meet the statistical confidence thresholds required to predict the impact of this variant on FLNC protein function. In summary, the available evidence is currently insufficient to determine the role of this variant in disease. Therefore, it has been classified as a Variant of Uncertain Significance.

Literature cited by the submitters: PubMed 32112656 (cited by Victorian Clinical Genetics Services, Murdoch Childrens Research Institute).

NM_001458.5(FLNC):c.5544C>A (p.Ser1848Arg)

Genes: FLNC-AS1 (FLNC antisense RNA 1; minus strand), FLNC (filamin C; plus strand). Cytogenetic location: 7q32.1.
Variant type: single nucleotide variant.
Coding change: c.5544C>A on transcript NM_001458.5 (MANE Select); coding-DNA position 5544, C replaced by A.
Protein change: p.Ser1848Arg; replaces serine 1848 with arginine.
Molecular consequence: missense variant.
Genome position (GRCh38, 1-based): chr7:128,851,236, C>A. VCF-style: chr7-128851236-C-A. GRCh37 (hg19) VCF-style: chr7-128491290-C-A.
Other names: c.5445C>A, p.Ser1815Arg (NM_001127487.2); short protein forms S1815R, S1848R.
Identifiers: ClinVar variation 3756114 (VCV003756114.4).